The following is an entry in ClinVar:

ClinVar aggregate classification (germline): Uncertain significance (1 of 4 stars; one submission).

Submission:

GeneDx
Classification: Uncertain significance. Last evaluated: 2026-10-04. Review status: criteria provided, single submitter. Criteria: GeneDx Variant Classification Process June 2021. Collection method: clinical testing. Allele origin: germline.
Comment: Not observed at significant frequency in large population cohorts (gnomAD); In silico analysis supports that this missense variant has a deleterious effect on protein structure/function; Has not been previously published as pathogenic or benign to our knowledge

NM_003024.3(ITSN1):c.1254G>T (p.Glu418Asp)

Gene: ITSN1 (intersectin 1; plus strand). Cytogenetic location: 21q22.11.
Variant type: single nucleotide variant.
Coding change: c.1254G>T on transcript NM_003024.3 (MANE Select); coding-DNA position 1254, G replaced by T.
Protein change: p.Glu418Asp; replaces glutamic acid 418 with aspartic acid.
Molecular consequence: missense variant.
Genome position (GRCh38, 1-based): chr21:33,772,272, G>T. VCF-style: chr21-33772272-G-T. GRCh37 (hg19) VCF-style: chr21-35144576-G-T.
Other names: c.1254G>T, p.Glu418Asp (NM_001001132.2, NM_001331008.2, NM_001331009.2 and 2 more transcripts); c.1143G>T, p.Glu381Asp (NM_001331012.2); short protein forms E381D, E418D.
Identifiers: ClinVar variation 1804292 (VCV001804292.2), dbSNP rs2517422936, ClinGen allele CA410122436.